The following is an entry in ClinVar:

ClinVar aggregate classification (germline): Likely benign. Review status: criteria provided, multiple submitters, no conflicts (2 of 4 stars). 3 submissions from 3 submitters: Likely benign (2). 1 of the submissions does not count toward it. Last evaluated 2025-11-12.

Conditions:
FANCA-related disorder. Also called: FANCA-related condition.
Fanconi anemia (FA). Also called: Fanconi's anemia. Identifiers: Orphanet 84, MedGen C0015625, MeSH D005199, MONDO:0019391.
Fanconi anemia complementation group A (FANCA). Also called: Fanconi anemia, group A; FANCA-Related Fanconi Anemia. Identifiers: Orphanet 84, MedGen C3469521, MONDO:0009215, OMIM 227650.

Allele frequency attached by ClinVar (database versions not stated): gnomAD 0.00001; TOPMed 0.00001; ExAC 0.00003; gnomAD exomes 0.00004; ESP Exome Variant Server 0.00008.
gnomAD v4.1: 17 of 1,604,866 alleles (0.0011%); highest among the groups gnomAD compares: Non-Finnish European, 0.0006%; no homozygotes.

Submissions (3):

Labcorp Genetics (formerly Invitae), Labcorp
Classification: Likely benign for Fanconi anemia. Last evaluated: 2025-11-12. Review status: criteria provided, single submitter. Criteria: Invitae Variant Classification Sherloc (09022015). Collection method: clinical testing. Allele origin: germline.

Fulgent Genetics
Classification: Likely benign for Fanconi anemia complementation group A. Last evaluated: 2022-02-21. Review status: criteria provided, single submitter. Criteria: ACMG Guidelines, 2015. Collection method: clinical testing. Allele origin: unknown.

PreventionGenetics, part of Exact Sciences
Classification: Likely benign for FANCA-related condition. Last evaluated: 2022-02-03. Review status: no assertion criteria provided. Collection method: clinical testing. Allele origin: germline. Not counted in ClinVar's aggregate classification.
Comment: This variant is classified as likely benign based on ACMG/AMP sequence variant interpretation guidelines (Richards et al. 2015 PMID: 25741868, with internal and published modifications).

NM_000135.4(FANCA):c.1471-8A>G

Gene: FANCA (FA complementation group A; minus strand). Cytogenetic location: 16q24.3.
Variant type: single nucleotide variant.
Coding change: c.1471-8A>G on transcript NM_000135.4 (MANE Select); 8 bases into the intron before coding-DNA position 1471, A replaced by G.
Molecular consequence: intron variant.
Genome position (GRCh38, 1-based): chr16:89,783,110, T>C on the plus strand (A>G on the coding strand, the complement: FANCA is on the minus strand). VCF-style: chr16-89783110-T-C. GRCh37 (hg19) VCF-style: chr16-89849518-T-C.
Other names: c.1471-8A>G (LRG_495t1, NM_001286167.3).
Identifiers: ClinVar variation 456079 (VCV000456079.14), dbSNP rs374717514, ClinGen allele CA8252298.
Genomic context (GRCh38, chr16:89,783,110, plus strand): 5'-GTGAGGAGGGAGCGGTACTTGCCGGGAACCAGGGGTGGGTGGAGAATGTGCACCTGAGGA[T>C]AGATAGCAGAGCGCAGCACCGTTAGTCTGGGAACTGCCTGGGACTCCAGGGAGGCCACAA-3'